The following is an entry in ClinVar:

NM_007254.4(PNKP):c.940G>A (p.Ala314Thr)

Gene: PNKP (polynucleotide kinase 3'-phosphatase; minus strand). Cytogenetic location: 19q13.33.
Variant type: single nucleotide variant.
Coding change: c.940G>A on transcript NM_007254.4 (MANE Select); coding-DNA position 940, G replaced by A.
Protein change: p.Ala314Thr; replaces alanine 314 with threonine.
Molecular consequence: missense variant.
Genome position (GRCh38, 1-based): chr19:49,862,460, C>T on the plus strand (G>A on the coding strand, the complement: PNKP is on the minus strand). VCF-style: chr19-49862460-C-T. GRCh37 (hg19) VCF-style: chr19-50365717-C-T.
Other names: short protein forms A314T.
Identifiers: ClinVar variation 1308606 (VCV001308606.3), dbSNP rs1381404753, ClinGen allele CA406881561.
Genomic context (GRCh38, chr19:49,862,460, plus strand): 5'-CTGCTGGCCACTTGAGAAAGAACTCCTCAGGCGTGGCGAAGGGCAGGCCAAGGTTGAGGG[C>T]AAACTAGGGGTTGAGGACGAACATCAGACACAGGCCAGGGTCGGGCTCGGGCGCGGGGCA-3'
Protein context (NP_009185.2, residues 304-324): KDFSCADRLF[Ala314Thr]LNLGLPFATP

ClinVar aggregate classification (germline): Uncertain significance (1 of 4 stars; one submission).

Allele frequency attached by ClinVar (database versions not stated): gnomAD exomes below 0.00001; gnomAD 0.00001.
gnomAD v4.1: 6 of 1,591,272 alleles (0.00038%); highest among the groups gnomAD compares: Non-Finnish European, 0.00051%; no homozygotes.

Submission:

GeneDx
Classification: Uncertain significance. Last evaluated: 2025-05-23. Review status: criteria provided, single submitter. Criteria: GeneDx Variant Classification Process June 2021. Collection method: clinical testing. Allele origin: germline. Affected: yes.
Comment: Not observed at significant frequency in large population cohorts (gnomAD); In silico analysis supports that this missense variant has a deleterious effect on protein structure/function; Has not been previously published as pathogenic or benign to our knowledge; This variant is associated with the following publications: (PMID: 22508754)